The following is an entry in ClinVar:

NM_001034850.3(RETREG1):c.606T>C (p.Ser202=)

Gene: RETREG1 (reticulophagy regulator 1; minus strand). Cytogenetic location: 5p15.1.
Variant type: single nucleotide variant.
Coding change: c.606T>C on transcript NM_001034850.3 (MANE Select); coding-DNA position 606, T replaced by C.
Protein change: p.Ser202=; no amino-acid change (serine 202 retained).
Molecular consequence: synonymous variant.
Genome position (GRCh38, 1-based): chr5:16,481,073, A>G on the plus strand (T>C on the coding strand, the complement: RETREG1 is on the minus strand). VCF-style: chr5-16481073-A-G. GRCh37 (hg19) VCF-style: chr5-16481182-A-G.
Other names: c.183T>C, p.Ser61= (NM_019000.5).
Identifiers: ClinVar variation 761428 (VCV000761428.9), dbSNP rs763886231, ClinGen allele CA3210393.

ClinVar aggregate classification (germline): Likely benign. Review status: criteria provided, multiple submitters, no conflicts (2 of 4 stars). 2 submissions from 2 submitters: Likely benign (2). Last evaluated 2025-08-14.

Conditions:
RETREG1-related disorder. Also called: RETREG1-related condition.

Allele frequency attached by ClinVar (database versions not stated): gnomAD 0.00001; gnomAD exomes 0.00002 and 0.00004; ExAC 0.00003.
gnomAD v4.1: 56 of 1,611,658 alleles (0.0035%); highest among the groups gnomAD compares: Non-Finnish European, 0.0046%; no homozygotes.

Submissions (2):

PreventionGenetics, part of Exact Sciences
Classification: Likely benign for RETREG1-related condition. Last evaluated: 2025-08-14. Review status: criteria provided, single submitter. Criteria: ACMG Guidelines, 2015. Collection method: clinical testing. Allele origin: germline.
Comment: This variant is classified as likely benign based on ACMG/AMP sequence variant interpretation guidelines (Richards et al. 2015 PMID: 25741868, with internal and published modifications).

Labcorp Genetics (formerly Invitae), Labcorp
Classification: Likely benign. Last evaluated: 2025-04-18. Review status: criteria provided, single submitter. Criteria: Invitae Variant Classification Sherloc (09022015). Collection method: clinical testing. Allele origin: germline.